The following is an entry in ClinVar:

ClinVar aggregate classification (germline): Uncertain significance (1 of 4 stars; one submission).

Conditions:
Progressive familial heart block type IB (PFHB1B). Identifiers: Orphanet 871, MedGen C1970298, MONDO:0011474, OMIM 604559.

gnomAD v4.1: 7 of 1,553,642 alleles (0.00045%); highest among the groups gnomAD compares: Non-Finnish European, 0.00052%; no homozygotes.

Submission:

Labcorp Genetics (formerly Invitae), Labcorp
Classification: Uncertain significance for Progressive familial heart block type IB. Last evaluated: 2025-10-28. Review status: criteria provided, single submitter. Criteria: Invitae Variant Classification Sherloc (09022015). Collection method: clinical testing. Allele origin: germline.
Comment: This sequence change replaces phenylalanine, which is neutral and non-polar, with valine, which is neutral and non-polar, at codon 797 of the TRPM4 protein (p.Phe797Val). This variant is not present in population databases (gnomAD no frequency). This variant has not been reported in the literature in individuals affected with TRPM4-related conditions. ClinVar contains an entry for this variant (Variation ID: 3719168). An algorithm developed to predict the effect of missense changes on protein structure and function (PolyPhen-2) suggests that this variant is likely to be disruptive. In summary, the available evidence is currently insufficient to determine the role of this variant in disease. Therefore, it has been classified as a Variant of Uncertain Significance.

NM_017636.4(TRPM4):c.2389T>G (p.Phe797Val)

Gene: TRPM4 (transient receptor potential cation channel subfamily M member 4; plus strand). Cytogenetic location: 19q13.33.
Variant type: single nucleotide variant.
Coding change: c.2389T>G on transcript NM_017636.4 (MANE Select); coding-DNA position 2389, T replaced by G.
Protein change: p.Phe797Val; replaces phenylalanine 797 with valine.
Molecular consequence: missense variant. On other transcripts: intron variant (1).
Genome position (GRCh38, 1-based): chr19:49,196,618, T>G. VCF-style: chr19-49196618-T-G. GRCh37 (hg19) VCF-style: chr19-49699875-T-G.
Other names: c.2044T>G, p.Phe682Val (NM_001321281.2); c.781T>G, p.Phe261Val (NM_001321282.2); c.1867T>G, p.Phe623Val (NM_001321283.2); c.1327T>G, p.Phe443Val (NM_001321285.2); c.2211-3682T>G (NM_001195227.2); short protein forms F261V, F623V, F443V, F797V, F682V.
Identifiers: ClinVar variation 3719168 (VCV003719168.2).